The following is an entry in ClinVar:

NM_032447.5(FBN3):c.3389T>C (p.Val1130Ala)

Gene: FBN3 (fibrillin 3; minus strand). Cytogenetic location: 19p13.2.
Variant type: single nucleotide variant.
Coding change: c.3389T>C on transcript NM_032447.5 (MANE Select); coding-DNA position 3389, T replaced by C.
Protein change: p.Val1130Ala; replaces valine 1130 with alanine.
Molecular consequence: missense variant.
Genome position (GRCh38, 1-based): chr19:8,117,538, A>G on the plus strand (T>C on the coding strand, the complement: FBN3 is on the minus strand). VCF-style: chr19-8117538-A-G. GRCh37 (hg19) VCF-style: chr19-8182422-A-G.
Other names: c.3389T>C, p.Val1130Ala (NM_001321431.2); short protein forms V1130A.
Identifiers: ClinVar variation 1719646 (VCV001719646.5), dbSNP rs2082734223, ClinGen allele CA403686582.

ClinVar aggregate classification (germline): Uncertain significance (1 of 4 stars; one submission).

Allele frequency attached by ClinVar (database versions not stated): gnomAD exomes below 0.00001; TOPMed below 0.00001.
gnomAD v4.1: 1 of 1,558,050 alleles (0.000064%); highest among the groups gnomAD compares: South Asian, 0.0012%; no homozygotes.

Submission:

Labcorp Genetics (formerly Invitae), Labcorp
Classification: Uncertain significance. Last evaluated: 2025-06-12. Review status: criteria provided, single submitter. Criteria: Invitae Variant Classification Sherloc (09022015). Collection method: clinical testing. Allele origin: germline.
Comment: This sequence change replaces valine, which is neutral and non-polar, with alanine, which is neutral and non-polar, at codon 1130 of the FBN3 protein (p.Val1130Ala). This variant is not present in population databases (gnomAD no frequency). This variant has not been reported in the literature in individuals affected with FBN3-related conditions. ClinVar contains an entry for this variant (Variation ID: 1719646). Invitae Evidence Modeling of protein sequence and biophysical properties (such as structural, functional, and spatial information, amino acid conservation, physicochemical variation, residue mobility, and thermodynamic stability) has been performed for this missense variant. However, the output from this modeling did not meet the statistical confidence thresholds required to predict the impact of this variant on FBN3 protein function. In summary, the available evidence is currently insufficient to determine the role of this variant in disease. Therefore, it has been classified as a Variant of Uncertain Significance.